The following is an entry in ClinVar:

NM_001252024.2(TRPM1):c.279+183C>T

Gene: TRPM1 (transient receptor potential cation channel subfamily M member 1; minus strand). Cytogenetic location: 15q13.3.
Variant type: single nucleotide variant.
Coding change: c.279+183C>T on transcript NM_001252024.2 (MANE Select); 183 bases into the intron after coding-DNA position 279, C replaced by T.
Molecular consequence: intron variant. On other transcripts: synonymous variant (1).
Genome position (GRCh38, 1-based): chr15:31,069,848, G>A on the plus strand (C>T on the coding strand, the complement: TRPM1 is on the minus strand). VCF-style: chr15-31069848-G-A. GRCh37 (hg19) VCF-style: chr15-31362051-G-A.
Other names: c.396C>T, p.Asn132= (NM_001252030.2); c.330+183C>T (NM_001252020.2); c.213+183C>T (NM_002420.6).
Identifiers: ClinVar variation 3349292 (VCV003349292.1).

ClinVar aggregate classification (germline): Likely benign (0 of 4 stars; one submission).

Conditions:
TRPM1-related disorder. Also called: TRPM1-related condition.

gnomAD v4.1: 3 of 1,557,122 alleles (0.00019%); highest among the groups gnomAD compares: Non-Finnish European, 0.00017%; no homozygotes.

Submission:

PreventionGenetics, part of Exact Sciences
Classification: Likely benign for TRPM1-related condition. Last evaluated: 2024-07-30. Review status: no assertion criteria provided. Collection method: clinical testing. Allele origin: germline.
Comment: This variant is classified as likely benign based on ACMG/AMP sequence variant interpretation guidelines (Richards et al. 2015 PMID: 25741868, with internal and published modifications).